The following is an entry in ClinVar:

ClinVar aggregate classification (germline): Uncertain significance (1 of 4 stars; one submission).

Submission:

Labcorp Genetics (formerly Invitae), Labcorp
Classification: Uncertain significance. Last evaluated: 2025-07-03. Review status: criteria provided, single submitter. Criteria: Invitae Variant Classification Sherloc (09022015). Collection method: clinical testing. Allele origin: germline.
Comment: This sequence change replaces phenylalanine, which is neutral and non-polar, with serine, which is neutral and polar, at codon 404 of the TCIRG1 protein (p.Phe404Ser). This variant is not present in population databases (gnomAD no frequency). This variant has not been reported in the literature in individuals affected with TCIRG1-related conditions. Invitae Evidence Modeling of protein sequence and biophysical properties (such as structural, functional, and spatial information, amino acid conservation, physicochemical variation, residue mobility, and thermodynamic stability) indicates that this missense variant is expected to disrupt TCIRG1 protein function with a positive predictive value of 80%. In summary, the available evidence is currently insufficient to determine the role of this variant in disease. Therefore, it has been classified as a Variant of Uncertain Significance.

NM_006019.4(TCIRG1):c.1211T>C (p.Phe404Ser)

Gene: TCIRG1 (T cell immune regulator 1, ATPase H+ transporting V0 subunit a3; plus strand). Cytogenetic location: 11q13.2.
Variant type: single nucleotide variant.
Coding change: c.1211T>C on transcript NM_006019.4 (MANE Select); coding-DNA position 1211, T replaced by C.
Protein change: p.Phe404Ser; replaces phenylalanine 404 with serine.
Molecular consequence: missense variant. On other transcripts: intron variant (1).
Genome position (GRCh38, 1-based): chr11:68,047,478, T>C. VCF-style: chr11-68047478-T-C. GRCh37 (hg19) VCF-style: chr11-67814945-T-C.
Other names: c.317T>C, p.Phe106Ser (NM_001351059.2); c.1211T>C, p.Phe404Ser (NM_001440552.1, NM_001440553.1, NM_001440554.1 and 2 more transcripts); c.1169T>C, p.Phe390Ser (NM_001440555.1, NM_001440556.1, NM_001440563.1); c.998T>C, p.Phe333Ser (NM_001440559.1, NM_001440560.1, NM_001440561.1 and 3 more transcripts); c.956T>C, p.Phe319Ser (NM_001440564.1); c.911T>C, p.Phe304Ser (NM_001440565.1); c.743T>C, p.Phe248Ser (NM_001440568.1); c.563T>C, p.Phe188Ser (NM_006053.4); and 1 more; short protein forms F304S, F319S, F333S, F188S, F404S, F248S, F390S, F106S.
Identifiers: ClinVar variation 4740634 (VCV004740634.1).